The following is an entry in ClinVar:

NM_005592.4(MUSK):c.2443G>A (p.Val815Met)

Gene: MUSK (muscle associated receptor tyrosine kinase; plus strand). Cytogenetic location: 9q31.3.
Variant type: single nucleotide variant.
Coding change: c.2443G>A on transcript NM_005592.4 (MANE Select); coding-DNA position 2443, G replaced by A.
Protein change: p.Val815Met; replaces valine 815 with methionine.
Molecular consequence: missense variant.
Genome position (GRCh38, 1-based): chr9:110,800,821, G>A. VCF-style: chr9-110800821-G-A. GRCh37 (hg19) VCF-style: chr9-113563101-G-A.
Other names: c.2185G>A, p.Val729Met (NM_001166280.2); c.2155G>A, p.Val719Met (NM_001166281.2); c.1183G>A, p.Val395Met (NM_001369398.1); short protein forms V719M, V395M, V729M, V815M.
Identifiers: ClinVar variation 1389887 (VCV001389887.5), dbSNP rs551520537, ClinGen allele CA5184631.

ClinVar aggregate classification (germline): Uncertain significance (1 of 4 stars; one submission).

Conditions:
Congenital myasthenic syndrome 9. Also called: Myasthenic syndrome, congenital, 9, associated with acetylcholine receptor deficiency. Identifiers: Orphanet 590, MedGen C4225368, MONDO:0014587, OMIM 616325.
Fetal akinesia deformation sequence 1 (FADS1). Also called: Fetal akinesia sequence; Pena-Shokeir syndrome type I. Identifiers: Orphanet 994, MedGen C1276035, MONDO:0100101, OMIM 208150, HP:0001989.

gnomAD v4.1: 12 of 1,612,676 alleles (0.00074%); highest among the groups gnomAD compares: East Asian, 0.011%; no homozygotes.

Submission:

Labcorp Genetics (formerly Invitae), Labcorp
Classification: Uncertain significance for Congenital myasthenic syndrome 9; Fetal akinesia deformation sequence 1. Last evaluated: 2021-09-01. Review status: criteria provided, single submitter. Criteria: Invitae Variant Classification Sherloc (09022015). Collection method: clinical testing. Allele origin: germline.
Comment: This sequence change replaces valine with methionine at codon 815 of the MUSK protein (p.Val815Met). The valine residue is highly conserved and there is a small physicochemical difference between valine and methionine. This variant is present in population databases (rs551520537, ExAC 0.02%). This variant has not been reported in the literature in individuals affected with MUSK-related conditions. Advanced modeling of protein sequence and biophysical properties (such as structural, functional, and spatial information, amino acid conservation, physicochemical variation, residue mobility, and thermodynamic stability) performed at Invitae indicates that this missense variant is expected to disrupt MUSK protein function. In summary, the available evidence is currently insufficient to determine the role of this variant in disease. Therefore, it has been classified as a Variant of Uncertain Significance.